The following is an entry in ClinVar:

ClinVar aggregate classification (germline): Uncertain significance (1 of 4 stars; one submission).

Conditions:
Duchenne muscular dystrophy (DMD). Also called: MUSCULAR DYSTROPHY, PSEUDOHYPERTROPHIC PROGRESSIVE, DUCHENNE TYPE; Duchenne Muscular Dystrophy (DMD). Identifiers: Orphanet 98896, MedGen C0013264, MONDO:0010679, OMIM 310200.

Allele frequency attached by ClinVar (database versions not stated): gnomAD exomes below 0.00001; TOPMed 0.00002.
gnomAD v4.1: 2 of 1,209,199 alleles (0.00017%); highest among the groups gnomAD compares: Non-Finnish European, 0.00022%; no homozygotes.

Submission:

Labcorp Genetics (formerly Invitae), Labcorp
Classification: Uncertain significance for Duchenne muscular dystrophy. Last evaluated: 2025-01-22. Review status: criteria provided, single submitter. Criteria: Invitae Variant Classification Sherloc (09022015). Collection method: clinical testing. Allele origin: germline.
Comment: This sequence change replaces threonine, which is neutral and polar, with isoleucine, which is neutral and non-polar, at codon 302 of the DMD protein (p.Thr302Ile). This variant is not present in population databases (gnomAD no frequency). This variant has not been reported in the literature in individuals affected with DMD-related conditions. ClinVar contains an entry for this variant (Variation ID: 2731293). Invitae Evidence Modeling of protein sequence and biophysical properties (such as structural, functional, and spatial information, amino acid conservation, physicochemical variation, residue mobility, and thermodynamic stability) indicates that this missense variant is not expected to disrupt DMD protein function with a negative predictive value of 95%. In summary, the available evidence is currently insufficient to determine the role of this variant in disease. Therefore, it has been classified as a Variant of Uncertain Significance.

NM_004006.3(DMD):c.905C>T (p.Thr302Ile)

Gene: DMD (dystrophin; minus strand). Cytogenetic location: Xp21.1.
Variant type: single nucleotide variant.
Coding change: c.905C>T on transcript NM_004006.3 (MANE Select); coding-DNA position 905, C replaced by T.
Protein change: p.Thr302Ile; replaces threonine 302 with isoleucine.
Molecular consequence: missense variant.
Genome position (GRCh38, 1-based): chrX:32,697,925, G>A on the plus strand (C>T on the coding strand, the complement: DMD is on the minus strand). VCF-style: chrX-32697925-G-A. GRCh37 (hg19) VCF-style: chrX-32716042-G-A.
Other names: c.881C>T, p.Thr294Ile (NM_000109.4); c.893C>T, p.Thr298Ile (NM_004009.3); c.536C>T, p.Thr179Ile (NM_004010.3); short protein forms T179I, T298I, T294I, T302I.
Identifiers: ClinVar variation 2731293 (VCV002731293.3), dbSNP rs1419118040, ClinGen allele CA412668528.
Genomic context (GRCh38, chrX:32,697,925, plus strand): 5'-CAGACCTGTGAAGGAAATGGGCTCCGTGTAGGGTCAGAGGTGGTGACATAAGCAGCCTGT[G>A]TGTAGGCATAGCTCTTGAATCGAGGCTTAGGGGAAGAAGTTCTCTCATATCCCTGTGCTA-3'
Protein context (NP_003997.2, residues 292-312): PKPRFKSYAY[Thr302Ile]QAAYVTTSDP